The following is an entry in ClinVar:

ClinVar aggregate classification (germline): Likely pathogenic (1 of 4 stars; one submission).

Conditions:
Charlevoix-Saguenay spastic ataxia (SACS). Also called: AUTOSOMAL RECESSIVE SPASTIC ATAXIA OF CHARLEVOIX-SAGUENAY; Spastic ataxia of Charlevoix-Saguenay; SPASTIC ATAXIA 6, AUTOSOMAL RECESSIVE. Identifiers: Orphanet 98, MedGen C1849140, MONDO:0010041, OMIM 270550.

Submission:

Natera, Inc.
Classification: Likely pathogenic for Charlevoix-Saguenay type spastic ataxia. Last evaluated: 2025-11-17. Review status: criteria provided, single submitter. Criteria: Natera Variant Classification Schema (03/2026). Collection method: clinical testing. Allele origin: germline.
Comment: The c.5437_5448delGTAGAGTGTACCinsCT variant in SACS is a frameshift variant predicted to shift the reading frame beginning at codon 1813 and leads to a stop codon 15 codons downstream. This variant is expected to result in nonsense mediated decay, truncation, or a dysfunctional protein product. This variant is rare in the general population with a frequency below the threshold expected for the associated phenotype(s). Given the available evidence, this variant is classified as Likely Pathogenic.

NM_014363.6(SACS):c.5437_5448delinsCT (p.Val1813fs)

Gene: SACS (sacsin molecular chaperone; minus strand). Cytogenetic location: 13q12.12.
Variant type: Indel.
Coding change: c.5437_5448delinsCT on transcript NM_014363.6 (MANE Select); coding-DNA positions 5437 to 5448, GTAGAGTGTACC replaced by CT.
Protein change: p.Val1813fs; shifts the reading frame from valine 1813.
Molecular consequence: frameshift variant.
Genome position (GRCh38, 1-based): chr13:23,338,428-23,338,439, GGTACACTCTAC replaced by AG on the plus strand (GTAGAGTGTACC replaced by CT on the coding strand, the reverse complement: SACS is on the minus strand). VCF-style: chr13-23338428-GGTACACTCTAC-AG. GRCh37 (hg19) VCF-style: chr13-23912567-GGTACACTCTAC-AG.
Other names: c.4996_5007delinsCT, p.Val1666fs (NM_001278055.2); c.5464_5475delinsCT, p.Val1822fs (NM_001437336.1); short protein forms V1666fs, V1813fs, V1822fs.
Identifiers: ClinVar variation 4815701 (VCV004815701.1).